The following is an entry in ClinVar:

ClinVar aggregate classification (germline): Likely benign (0 of 4 stars; one submission).

Conditions:
SHANK1-related disorder. Also called: SHANK1-related condition.

Allele frequency attached by ClinVar (database versions not stated): ExAC 0.00016; ESP Exome Variant Server 0.00017; 1000 Genomes Project 0.00020; gnomAD exomes 0.00004; gnomAD 0.00030; 1000 Genomes Project 30x 0.00031; TOPMed 0.00050.
gnomAD v4.1: 120 of 1,547,108 alleles (0.0078%); highest among the groups gnomAD compares: African/African-American, 0.11%; no homozygotes.

Submission:

PreventionGenetics, part of Exact Sciences
Classification: Likely benign for SHANK1-related condition. Last evaluated: 2019-02-28. Review status: no assertion criteria provided. Collection method: clinical testing. Allele origin: germline.
Comment: This variant is classified as likely benign based on ACMG/AMP sequence variant interpretation guidelines (Richards et al. 2015 PMID: 25741868, with internal and published modifications).

NM_016148.5(SHANK1):c.1524C>T (p.Asp508=)

Gene: SHANK1 (SH3 and multiple ankyrin repeat domains 1; minus strand). Cytogenetic location: 19q13.33.
Variant type: single nucleotide variant.
Coding change: c.1524C>T on transcript NM_016148.5 (MANE Select); coding-DNA position 1524, C replaced by T.
Protein change: p.Asp508=; no amino-acid change (aspartic acid 508 retained).
Molecular consequence: synonymous variant.
Genome position (GRCh38, 1-based): chr19:50,703,529, G>A on the plus strand (C>T on the coding strand, the complement: SHANK1 is on the minus strand). VCF-style: chr19-50703529-G-A. GRCh37 (hg19) VCF-style: chr19-51206786-G-A.
Identifiers: ClinVar variation 3047014 (VCV003047014.2), dbSNP rs370465457, ClinGen allele CA9601856.